The following is an entry in ClinVar:

ClinVar aggregate classification (germline): Uncertain significance. Review status: criteria provided, multiple submitters, no conflicts (2 of 4 stars). 2 submissions from 2 submitters: Uncertain significance (2). Last evaluated 2025-07-29.

Conditions:
Malignant hyperthermia, susceptibility to, 1 (MHS1). Also called: RYR1-Related Malignant Hyperthermia Susceptibility; Anesthesia related hyperthermia; Malignant hyperpyrexia; Fulminating hyperpyrexia; Pharmacogenic myopathy; Malignant hyperthermia suceptibility 1. Identifiers: Orphanet 423, MedGen C2930980, MONDO:0007783, OMIM 145600.

Allele frequency attached by ClinVar (database versions not stated): gnomAD exomes 0.00001.
gnomAD v4.1: 14 of 1,614,054 alleles (0.00087%); highest among the groups gnomAD compares: Non-Finnish European, 0.0012%; no homozygotes.

Submissions (2):

Color Diagnostics, LLC DBA Color Health
Classification: Uncertain significance for Malignant hyperthermia, susceptibility to, 1. Last evaluated: 2025-07-29. Review status: criteria provided, single submitter. Criteria: ACMG Guidelines, 2015. Collection method: clinical testing. Allele origin: germline.
Comment: This variant causes a C to A nucleotide substitution at the -9 position of intron 24 of the RYR1 gene. To our knowledge, functional studies have not been reported for this variant. This variant has not been reported in individuals affected with RYR1-related disorders in the literature. This variant has not been identified in the general population by the Genome Aggregation Database (gnomAD). The available evidence is insufficient to determine the role of this variant in disease conclusively. Therefore, this variant is classified as a Variant of Uncertain Significance.

All of Us Research Program, National Institutes of Health
Classification: Uncertain significance for Malignant hyperthermia, susceptibility to, 1. Last evaluated: 2023-03-09. Review status: criteria provided, single submitter. Criteria: ACMG Guidelines, 2015. Collection method: clinical testing. Allele origin: germline. Inheritance: Autosomal dominant inheritance. Observed: 1 variant allele, 1 heterozygote.
Comment: This variant causes a C to A nucleotide substitution at the -9 position of intron 24 of the RYR1 gene. To our knowledge, functional studies have not been reported for this variant. This variant has not been reported in individuals affected with RYR1-related disorders in the literature. This variant has not been identified in the general population by the Genome Aggregation Database (gnomAD). The available evidence is insufficient to determine the role of this variant in disease conclusively. Therefore, this variant is classified as a Variant of Uncertain Significance.

This study involves interpretation of variants in research participants for the purpose of population health screening. Participant phenotype was not available at the time of variant classification. Additional details can be found in publication PMID: 35346344, PMCID: PMC8962531

NM_000540.3(RYR1):c.3179-9C>A

Gene: RYR1 (ryanodine receptor 1; plus strand). Cytogenetic location: 19q13.2.
Variant type: single nucleotide variant.
Coding change: c.3179-9C>A on transcript NM_000540.3 (MANE Select); 9 bases into the intron before coding-DNA position 3179, C replaced by A.
Molecular consequence: intron variant.
Genome position (GRCh38, 1-based): chr19:38,467,601, C>A. VCF-style: chr19-38467601-C-A. GRCh37 (hg19) VCF-style: chr19-38958241-C-A.
Other names: c.3179-9C>A (NM_001042723.2).
Identifiers: ClinVar variation 3069801 (VCV003069801.2), dbSNP rs2514101079, ClinGen allele CA2576770618.